The following is an entry in ClinVar:

NM_005633.4(SOS1):c.3116G>A (p.Gly1039Asp)

Gene: SOS1 (SOS Ras/Rac guanine nucleotide exchange factor 1; minus strand). Cytogenetic location: 2p22.1.
Variant type: single nucleotide variant.
Coding change: c.3116G>A on transcript NM_005633.4 (MANE Select); coding-DNA position 3116, G replaced by A.
Protein change: p.Gly1039Asp; replaces glycine 1039 with aspartic acid.
Molecular consequence: missense variant.
Genome position (GRCh38, 1-based): chr2:38,995,353, C>T on the plus strand (G>A on the coding strand, the complement: SOS1 is on the minus strand). VCF-style: chr2-38995353-C-T. GRCh37 (hg19) VCF-style: chr2-39222494-C-T.
Other names: c.3095G>A, p.Gly1032Asp (NM_001382394.1); c.3116G>A, p.Gly1039Asp (NM_001382395.1); short protein forms G1032D, G1039D.
Identifiers: ClinVar variation 1308290 (VCV001308290.2), dbSNP rs2124475752, ClinGen allele CA346361196.

ClinVar aggregate classification (germline): Uncertain significance (1 of 4 stars; one submission).

Submission:

GeneDx
Classification: Uncertain significance. Last evaluated: 2019-04-02. Review status: criteria provided, single submitter. Criteria: GeneDx Variant Classification Process June 2021. Collection method: clinical testing. Allele origin: germline. Affected: yes.
Comment: Has not been previously published as pathogenic or benign to our knowledge; Not observed in large population cohorts (Lek et al., 2016); In silico analysis, which includes protein predictors and evolutionary conservation, supports a deleterious effect; The majority of missense variants in this gene are considered pathogenic (Stenson et al., 2014)